The following is an entry in ClinVar:

ClinVar aggregate classification (germline): Uncertain significance. Review status: criteria provided, multiple submitters, no conflicts (2 of 4 stars). 2 submissions from 2 submitters: Uncertain significance (2). Last evaluated 2025-01-08.

Conditions:
Baller-Gerold syndrome (BGS). Also called: CRANIOSYNOSTOSIS WITH RADIAL DEFECTS. Identifiers: Orphanet 1225, MedGen C0265308, MONDO:0009039, OMIM 218600.
Inborn genetic diseases. Identifiers: MedGen C0950123, MeSH D030342.

Submissions (2):

Ambry Genetics
Classification: Uncertain significance for Inborn genetic diseases. Last evaluated: 2025-01-08. Review status: criteria provided, single submitter. Criteria: Ambry Variant Classification Scheme 2023. Collection method: clinical testing. Allele origin: germline.
Comment: The p.R132K variant (also known as c.395G>A), located in coding exon 5 of the RECQL4 gene, results from a G to A substitution at nucleotide position 395. The arginine at codon 132 is replaced by lysine, an amino acid with highly similar properties. This amino acid position is conserved. In addition, this alteration is predicted to be tolerated by in silico analysis. Based on the available evidence, the clinical significance of this variant remains unclear.

Labcorp Genetics (formerly Invitae), Labcorp
Classification: Uncertain significance for Baller-Gerold syndrome. Last evaluated: 2024-08-08. Review status: criteria provided, single submitter. Criteria: Invitae Variant Classification Sherloc (09022015). Collection method: clinical testing. Allele origin: germline.
Comment: This sequence change replaces arginine, which is basic and polar, with lysine, which is basic and polar, at codon 132 of the RECQL4 protein (p.Arg132Lys). This variant is not present in population databases (gnomAD no frequency). This variant has not been reported in the literature in individuals affected with RECQL4-related conditions. ClinVar contains an entry for this variant (Variation ID: 1037149). Advanced modeling of protein sequence and biophysical properties (such as structural, functional, and spatial information, amino acid conservation, physicochemical variation, residue mobility, and thermodynamic stability) performed at Invitae indicates that this missense variant is not expected to disrupt RECQL4 protein function with a negative predictive value of 80%. In summary, the available evidence is currently insufficient to determine the role of this variant in disease. Therefore, it has been classified as a Variant of Uncertain Significance.

NM_004260.4(RECQL4):c.395G>A (p.Arg132Lys)

Gene: RECQL4 (RecQ like helicase 4; minus strand). Cytogenetic location: 8q24.3.
Variant type: single nucleotide variant.
Coding change: c.395G>A on transcript NM_004260.4 (MANE Select); coding-DNA position 395, G replaced by A.
Protein change: p.Arg132Lys; replaces arginine 132 with lysine.
Molecular consequence: missense variant.
Genome position (GRCh38, 1-based): chr8:144,516,724, C>T on the plus strand (G>A on the coding strand, the complement: RECQL4 is on the minus strand). VCF-style: chr8-144516724-C-T. GRCh37 (hg19) VCF-style: chr8-145742108-C-T.
Other names: c.395G>A (NM_004260.3); short protein forms R132K.
Identifiers: ClinVar variation 1037149 (VCV001037149.4), dbSNP rs1815096415, ClinGen allele CA372691644.